The following is an entry in ClinVar:

ClinVar aggregate classification (germline): Uncertain significance (1 of 4 stars; one submission).

Conditions:
Hereditary pancreatitis (PCTT). Also called: PRSS1-Related Hereditary Pancreatitis; Hereditary chronic pancreatitis. Identifiers: Orphanet 676, MedGen C0238339, MONDO:0008185, OMIM 167800.

Submission:

Ambry Genetics
Classification: Uncertain significance for Hereditary pancreatitis. Last evaluated: 2018-09-27. Review status: criteria provided, single submitter. Criteria: Ambry Variant Classification Scheme 2023. Collection method: clinical testing. Allele origin: germline.
Comment: The p.S288P variant (also known as c.862T>C), located in coding exon 8 of the CPA1 gene, results from a T to C substitution at nucleotide position 862. The serine at codon 288 is replaced by proline, an amino acid with similar properties. This amino acid position is not well conserved in available vertebrate species. In addition, the in silico prediction for this alteration is inconclusive. Since supporting evidence is limited at this time, the clinical significance of this alteration remains unclear.

NM_001868.4(CPA1):c.862T>C (p.Ser288Pro)

Gene: CPA1 (carboxypeptidase A1; plus strand). Cytogenetic location: 7q32.2.
Variant type: single nucleotide variant.
Coding change: c.862T>C on transcript NM_001868.4 (MANE Select); coding-DNA position 862, T replaced by C.
Protein change: p.Ser288Pro; replaces serine 288 with proline.
Molecular consequence: missense variant.
Genome position (GRCh38, 1-based): chr7:130,385,220, T>C. VCF-style: chr7-130385220-T-C. GRCh37 (hg19) VCF-style: chr7-130025061-T-C.
Other names: short protein forms S288P.
Identifiers: ClinVar variation 1764102 (VCV001764102.2), dbSNP rs2536012183, ClinGen allele CA369283499.